The following is an entry in ClinVar:

ClinVar aggregate classification (germline): Uncertain significance (1 of 4 stars; one submission).

Conditions:
PCNT-related disorder. Also called: PCNT-related condition.

gnomAD v4.1: 3 of 1,613,584 alleles (0.00019%); highest among the groups gnomAD compares: Non-Finnish European, 0.00017%; no homozygotes.

Submission:

PreventionGenetics, part of Exact Sciences
Classification: Uncertain significance for PCNT-related condition. Last evaluated: 2026-08-14. Review status: criteria provided, single submitter. Criteria: ACMG Guidelines, 2015. Collection method: clinical testing. Allele origin: germline.
Comment: The PCNT c.9701-6G>A variant is predicted to interfere with splicing. This variant is predicted to alter splicing based on available splicing prediction software (SpliceAI, Jaganathan et al. 2019. PubMed ID: 30661751). However, the use of computer prediction software is not equivalent to functional evidence. To our knowledge, this variant has not been reported in the literature. This variant is reported in 0.00088% of alleles in individuals of European (Non-Finnish) descent in gnomAD. At this time, the clinical significance of this variant is uncertain due to the absence of conclusive functional and genetic evidence.

NM_006031.6(PCNT):c.9701-6G>A

Gene: PCNT (pericentrin; plus strand). Cytogenetic location: 21q22.3.
Variant type: single nucleotide variant.
Coding change: c.9701-6G>A on transcript NM_006031.6 (MANE Select); 6 bases into the intron before coding-DNA position 9701, G replaced by A.
Molecular consequence: intron variant.
Genome position (GRCh38, 1-based): chr21:46,443,804, G>A. VCF-style: chr21-46443804-G-A. GRCh37 (hg19) VCF-style: chr21-47863717-G-A.
Other names: c.9110-6G>A (NM_001315529.2).
Identifiers: ClinVar variation 4986674 (VCV004986674.1).
Genomic context (GRCh38, chr21:46,443,804, plus strand): 5'-GGGCCTTTACTAAAATGCATTCATTTATTTTCCTAATCCCTTGGTTGTTAAATAATTCTG[G>A]GGAAGGGCCCCGAGCACGACAGCCGCAGTCTCCACCCAGAACCAGAGAGTCCCCCCCAAC-3'